The following is an entry in ClinVar:

NM_003079.5(SMARCE1):c.440G>A (p.Ser147Asn)

Gene: SMARCE1 (SWI/SNF related BAF chromatin remodeling complex subunit E1; minus strand). Cytogenetic location: 17q21.2.
Variant type: single nucleotide variant.
Coding change: c.440G>A on transcript NM_003079.5 (MANE Select); coding-DNA position 440, G replaced by A.
Protein change: p.Ser147Asn; replaces serine 147 with asparagine.
Molecular consequence: missense variant.
Genome position (GRCh38, 1-based): chr17:40,636,032, C>T on the plus strand (G>A on the coding strand, the complement: SMARCE1 is on the minus strand). VCF-style: chr17-40636032-C-T. GRCh37 (hg19) VCF-style: chr17-38792284-C-T.
Other names: short protein forms S147N.
Identifiers: ClinVar variation 463423 (VCV000463423.9), dbSNP rs779169160, ClinGen allele CA8545242.

ClinVar aggregate classification (germline): Uncertain significance. Review status: criteria provided, multiple submitters, no conflicts (2 of 4 stars). 2 submissions from 2 submitters: Uncertain significance (2). Last evaluated 2025-09-10.

Conditions:
Hereditary cancer-predisposing syndrome. Also called: Neoplastic Syndromes, Hereditary; Hereditary Cancer Syndrome; Hereditary neoplastic syndrome; Tumor predisposition. Identifiers: Orphanet 140162, MedGen C0027672, MeSH D009386, MONDO:0015356.
Familial meningioma. Also called: Meningioma, familial, susceptibility to. Identifiers: Orphanet 263662, MedGen C3551915, MONDO:0011789, OMIM 607174.

Allele frequency attached by ClinVar (database versions not stated): gnomAD exomes below 0.00001 and 0.00001; ExAC 0.00001.
gnomAD v4.1: 3 of 1,613,798 alleles (0.00019%); highest among the groups gnomAD compares: African/African-American, 0.0013%; no homozygotes.

Submissions (2):

Ambry Genetics
Classification: Uncertain significance for Hereditary cancer-predisposing syndrome. Last evaluated: 2025-09-10. Review status: criteria provided, single submitter. Criteria: Ambry Variant Classification Scheme 2023. Collection method: clinical testing. Allele origin: germline.
Comment: The p.S147N variant (also known as c.440G>A), located in coding exon 6 of the SMARCE1 gene, results from a G to A substitution at nucleotide position 440. The serine at codon 147 is replaced by asparagine, an amino acid with highly similar properties. This amino acid position is conserved. In addition, this alteration is predicted to be tolerated by in silico analysis. Based on the available evidence, the clinical significance of this variant remains unclear.

Labcorp Genetics (formerly Invitae), Labcorp
Classification: Uncertain significance for Familial meningioma. Last evaluated: 2022-11-27. Review status: criteria provided, single submitter. Criteria: Invitae Variant Classification Sherloc (09022015). Collection method: clinical testing. Allele origin: germline.
Comment: This sequence change replaces serine, which is neutral and polar, with asparagine, which is neutral and polar, at codon 147 of the SMARCE1 protein (p.Ser147Asn). This variant is present in population databases (rs779169160, gnomAD 0.002%). This variant has not been reported in the literature in individuals affected with SMARCE1-related conditions. ClinVar contains an entry for this variant (Variation ID: 463423). Advanced modeling of protein sequence and biophysical properties (such as structural, functional, and spatial information, amino acid conservation, physicochemical variation, residue mobility, and thermodynamic stability) performed at Invitae indicates that this missense variant is not expected to disrupt SMARCE1 protein function. In summary, the available evidence is currently insufficient to determine the role of this variant in disease. Therefore, it has been classified as a Variant of Uncertain Significance.